The following is an entry in ClinVar:

NM_005235.3(ERBB4):c.2674A>G (p.Ile892Val)

Gene: ERBB4 (erb-b2 receptor tyrosine kinase 4; minus strand). Cytogenetic location: 2q34.
Variant type: single nucleotide variant.
Coding change: c.2674A>G on transcript NM_005235.3 (MANE Select); coding-DNA position 2674, A replaced by G.
Protein change: p.Ile892Val; replaces isoleucine 892 with valine.
Molecular consequence: missense variant.
Genome position (GRCh38, 1-based): chr2:211,428,453, T>C on the plus strand (A>G on the coding strand, the complement: ERBB4 is on the minus strand). VCF-style: chr2-211428453-T-C. GRCh37 (hg19) VCF-style: chr2-212293178-T-C.
Other names: c.2674A>G, p.Ile892Val (NM_001042599.2); short protein forms I892V.
Identifiers: ClinVar variation 1414531 (VCV001414531.11), dbSNP rs149713914, ClinGen allele CA2087662.

ClinVar aggregate classification (germline): Uncertain significance. Review status: criteria provided, multiple submitters, no conflicts (2 of 4 stars). 4 submissions from 4 submitters: Uncertain significance (4). Last evaluated 2026-06-29.

Conditions:
Amyotrophic lateral sclerosis type 19. Identifiers: Orphanet 803, MedGen C3715155, MONDO:0014223, OMIM 615515.
ERBB4-related disorder. Also called: ERBB4-related condition.

Allele frequency attached by ClinVar (database versions not stated): ExAC 0.00005; gnomAD exomes 0.00006; TOPMed 0.00012; gnomAD 0.00013 and 0.00015; ESP Exome Variant Server 0.00023.
gnomAD v4.1: 116 of 1,587,748 alleles (0.0073%); highest among the groups gnomAD compares: Middle Eastern, 0.033%; no homozygotes.

Submissions (4):

PreventionGenetics, part of Exact Sciences
Classification: Uncertain significance for ERBB4-related condition. Last evaluated: 2026-06-29. Review status: criteria provided, single submitter. Criteria: ACMG Guidelines, 2015. Collection method: clinical testing. Allele origin: germline.
Comment: The ERBB4 c.2674A>G variant is predicted to result in the amino acid substitution p.Ile892Val. To our knowledge, this variant has not been reported in the literature. This variant is reported in 0.011% of alleles in individuals of Latino descent in gnomAD. Although we suspect that this variant may be benign, at this time, the clinical significance of this variant is uncertain due to the absence of conclusive functional and genetic evidence.

Labcorp Genetics (formerly Invitae), Labcorp
Classification: Uncertain significance. Last evaluated: 2025-10-16. Review status: criteria provided, single submitter. Criteria: Invitae Variant Classification Sherloc (09022015). Collection method: clinical testing. Allele origin: germline.
Comment: This sequence change replaces isoleucine, which is neutral and non-polar, with valine, which is neutral and non-polar, at codon 892 of the ERBB4 protein (p.Ile892Val). This variant is present in population databases (rs149713914, gnomAD 0.009%). This variant has not been reported in the literature in individuals affected with ERBB4-related conditions. ClinVar contains an entry for this variant (Variation ID: 1414531). Invitae Evidence Modeling of protein sequence and biophysical properties (such as structural, functional, and spatial information, amino acid conservation, physicochemical variation, residue mobility, and thermodynamic stability) has been performed for this missense variant. However, the output from this modeling did not meet the statistical confidence thresholds required to predict the impact of this variant on ERBB4 protein function. In summary, the available evidence is currently insufficient to determine the role of this variant in disease. Therefore, it has been classified as a Variant of Uncertain Significance.

Women's Health and Genetics/Laboratory Corporation of America, LabCorp
Classification: Uncertain significance. Last evaluated: 2024-06-10. Review status: criteria provided, single submitter. Criteria: LabCorp Variant Classification Summary - May 2015. Collection method: clinical testing. Allele origin: germline.
Comment: Variant summary: ERBB4 c.2674A>G (p.Ile892Val) results in a conservative amino acid change located in the Protein kinase domain (IPR000719) of the encoded protein sequence. Four of five in-silico tools predict a damaging effect of the variant on protein function. The variant allele was found at a frequency of 6e-05 in 250994 control chromosomes. This frequency is not significantly higher than estimated for a pathogenic variant in ERBB4 causing Amyotrophic Lateral Sclerosis Type 19, allowing no conclusion about variant significance. To our knowledge, no occurrence of c.2674A>G in individuals affected with Amyotrophic Lateral Sclerosis Type 19 and no experimental evidence demonstrating its impact on protein function have been reported. ClinVar contains an entry for this variant (Variation ID: 1414531). Based on the evidence outlined above, the variant was classified as uncertain significance.

Department of Pathology and Laboratory Medicine, Sinai Health System
Classification: Uncertain significance for Amyotrophic lateral sclerosis type 19. Last evaluated: 2023-02-27. Review status: criteria provided, single submitter. Criteria: ACMG Guidelines, 2015. Collection method: research. Allele origin: germline.